The following is an entry in ClinVar:

NM_014249.4(NR2E3):c.1220T>A (p.Met407Lys)

Gene: NR2E3 (nuclear receptor subfamily 2 group E member 3; plus strand). Cytogenetic location: 15q23.
Variant type: single nucleotide variant.
Coding change: c.1220T>A on transcript NM_014249.4 (MANE Select); coding-DNA position 1220, T replaced by A.
Protein change: p.Met407Lys; replaces methionine 407 with lysine.
Molecular consequence: missense variant.
Genome position (GRCh38, 1-based): chr15:71,817,671, T>A. VCF-style: chr15-71817671-T-A. GRCh37 (hg19) VCF-style: chr15-72110012-T-A.
Other names: c.1220T>A (NM_014249.3); short protein forms M407K.
Identifiers: ClinVar variation 2137727 (VCV002137727.7), dbSNP rs1303613101, ClinGen allele CA393041667.

ClinVar aggregate classification (germline): Conflicting classifications of pathogenicity. Review status: criteria provided, conflicting classifications (1 of 4 stars). 4 submissions from 4 submitters: Pathogenic (1); Likely pathogenic (2); Uncertain significance (1). Last evaluated 2024-11-13.

Conditions:
Enhanced S-cone syndrome (ESCS). Identifiers: Orphanet 53540, MedGen C1849394, MONDO:0100288, MONDO:0009989.

gnomAD v4.1: 1 of 1,602,040 alleles (0.000062%); highest among the groups gnomAD compares: Admixed American, 0.0017%; no homozygotes.

Submissions (4):

Natera, Inc.
Classification: Likely pathogenic for Enhanced S cone syndrome. Last evaluated: 2024-11-13. Review status: criteria provided, single submitter. Criteria: Natera Variant Classification Schema (03/2026). Collection method: clinical testing. Allele origin: germline.
Comment: The c.1220T>A variant in NR2E3 is a missense variant predicted to cause substitution of methionine to lysine at amino acid 407. This variant is rare in the general population with a frequency below the threshold expected for the associated phenotype(s). This variant has been observed in one or more individuals affected with the associated recessive disease, as either homozygous or compound heterozygous with a second variant (PMID: 28541266, 10655056, 15459973). Additionally, this variant has been observed to segregate in affected family members (PMID: 10655056). Functional studies show that this variant may disrupt protein function (PMID: 17438525, 19898638, 25703721, 24069298). Computational prediction algorithms indicate this variant is likely to affect gene or protein function. Given the available evidence, this variant is classified as Likely Pathogenic.

Labcorp Genetics (formerly Invitae), Labcorp
Classification: Likely pathogenic. Last evaluated: 2024-02-29. Review status: criteria provided, single submitter. Criteria: Invitae Variant Classification Sherloc (09022015). Collection method: clinical testing. Allele origin: germline.
Comment: This sequence change replaces methionine, which is neutral and non-polar, with lysine, which is basic and polar, at codon 407 of the NR2E3 protein (p.Met407Lys). This variant is present in population databases (no rsID available, gnomAD 0.003%). This missense change has been observed in individual(s) with autosomal recessive enhanced s-cone syndrome (PMID: 10655056). ClinVar contains an entry for this variant (Variation ID: 2137727). Advanced modeling of protein sequence and biophysical properties (such as structural, functional, and spatial information, amino acid conservation, physicochemical variation, residue mobility, and thermodynamic stability) performed at Invitae indicates that this missense variant is expected to disrupt NR2E3 protein function with a positive predictive value of 80%. Experimental studies have shown that this missense change affects NR2E3 function (PMID: 17438525, 19898638, 24069298, 25703721, 28300834). In summary, the currently available evidence indicates that the variant is pathogenic, but additional data are needed to prove that conclusively. Therefore, this variant has been classified as Likely Pathogenic.

Baylor Genetics
Classification: Pathogenic for ENHANCED S-CONE SYNDROME 1. Last evaluated: 2023-07-06. Review status: criteria provided, single submitter. Criteria: ACMG Guidelines, 2015. Collection method: clinical testing. Allele origin: unknown.

Blueprint Genetics
Classification: Uncertain significance. Last evaluated: 2023-04-06. Review status: criteria provided, single submitter. Criteria: ACMG Guidelines, 2015. Collection method: clinical testing. Allele origin: germline.

Literature cited by the submitters: PubMed 28541266 (cited by Natera, Inc.); PubMed 10655056 (cited by Natera, Inc. and Labcorp Genetics (formerly Invitae), Labcorp); PubMed 15459973 (cited by Natera, Inc.); PubMed 17438525 (cited by Natera, Inc. and Labcorp Genetics (formerly Invitae), Labcorp); PubMed 19898638 (cited by Natera, Inc. and Labcorp Genetics (formerly Invitae), Labcorp); PubMed 25703721 (cited by Natera, Inc. and Labcorp Genetics (formerly Invitae), Labcorp); PubMed 24069298 (cited by Natera, Inc. and Labcorp Genetics (formerly Invitae), Labcorp); PubMed 28300834 (cited by Labcorp Genetics (formerly Invitae), Labcorp).